The following is an entry in ClinVar:

ClinVar aggregate classification (germline): Pathogenic/Likely pathogenic. Review status: criteria provided, multiple submitters, no conflicts (2 of 4 stars). 2 submissions from 2 submitters: Pathogenic (1); Likely pathogenic (1). Last evaluated 2025-08-04.

Conditions:
Deficiency of steroid 11-beta-monooxygenase (CYP11B1). Also called: ADRENAL HYPERPLASIA, CONGENITAL, DUE TO STEROID 11-BETA-HYDROXYLASE DEFICIENCY; P450C11B1 DEFICIENCY; STEROID 11-BETA-HYDROXYLASE DEFICIENCY; ADRENAL HYPERPLASIA IV; Congenital adrenal hyperplasia due to 11-beta-hydroxylase deficiency; 11-BETA-HYDROXYLASE DEFICIENCY. Identifiers: Orphanet 90795, MedGen C0268292, MONDO:0008729, OMIM 202010. Disease mechanism: loss of function.

gnomAD v4.1: 2 of 1,614,062 alleles (0.00012%); highest among the groups gnomAD compares: South Asian, 0.0011%; no homozygotes.

Submissions (2):

Labcorp Genetics (formerly Invitae), Labcorp
Classification: Pathogenic. Last evaluated: 2025-08-04. Review status: criteria provided, single submitter. Criteria: Invitae Variant Classification Sherloc (09022015). Collection method: clinical testing. Allele origin: germline.
Comment: This sequence change replaces leucine, which is neutral and non-polar, with serine, which is neutral and polar, at codon 489 of the CYP11B1 protein (p.Leu489Ser). This variant is present in population databases (rs750428278, gnomAD 0.003%). This missense change has been observed in individuals with autosomal recessive CYB11B1-related conditions (PMID: 17124386, 33830237). It has also been observed to segregate with disease in related individuals. ClinVar contains an entry for this variant (Variation ID: 2674662). Invitae Evidence Modeling of protein sequence and biophysical properties (such as structural, functional, and spatial information, amino acid conservation, physicochemical variation, residue mobility, and thermodynamic stability) indicates that this missense variant is expected to disrupt CYP11B1 protein function with a positive predictive value of 95%. For these reasons, this variant has been classified as Pathogenic.

Clinical Biochemistry Laboratory, Health Services Laboratory
Classification: Likely pathogenic for Deficiency of steroid 11-beta-monooxygenase. Last evaluated: 2023-11-20. Review status: criteria provided, single submitter. Criteria: ACMG Guidelines, 2015. Collection method: clinical testing. Allele origin: germline. Affected: yes.
Comment: ACMG:PM1 PM2 PM3 PP3 PP4

Literature cited by the submitters: PubMed 17124386 (cited by Labcorp Genetics (formerly Invitae), Labcorp); PubMed 33830237 (cited by Labcorp Genetics (formerly Invitae), Labcorp).

NM_000497.4(CYP11B1):c.1466T>C (p.Leu489Ser)

Genes: CYP11B1 (cytochrome P450 family 11 subfamily B member 1; minus strand), LOC106799833 (CYP11B1 recombination region; plus strand). Cytogenetic location: 8q24.3.
Variant type: single nucleotide variant.
Coding change: c.1466T>C on transcript NM_000497.4 (MANE Select); coding-DNA position 1466, T replaced by C.
Protein change: p.Leu489Ser; replaces leucine 489 with serine.
Molecular consequence: missense variant.
Genome position (GRCh38, 1-based): chr8:142,874,419, A>G on the plus strand (T>C on the coding strand, the complement: CYP11B1 is on the minus strand). VCF-style: chr8-142874419-A-G. GRCh37 (hg19) VCF-style: chr8-143955835-A-G.
Other names: c.1268T>C, p.Leu423Ser (NM_001026213.1); short protein forms L423S, L489S.
Identifiers: ClinVar variation 2674662 (VCV002674662.4), dbSNP rs750428278, ClinGen allele CA4904945.
Genomic context (GRCh38, chr8:142,874,419, plus strand): 5'-GTGCAGAGACGTGATTAGTTGATGGCTCTGAAGGTGAGGAGGGGGAACATGCTGGGCCTC[A>G]ATATGAAGCTGTAGACCATCTTTATGTCCTCTTGGGTTAGTGTCTCCACCTGGAGGTGTT-3'
Protein context (NP_000488.3, residues 479-499): EDIKMVYSFI[Leu489Ser]RPSMFPLLTF